The following is an entry in ClinVar:

NM_000257.4(MYH7):c.5387G>A (p.Arg1796Gln)

Gene: MYH7 (myosin heavy chain 7; minus strand). Cytogenetic location: 14q11.2.
Variant type: single nucleotide variant.
Coding change: c.5387G>A on transcript NM_000257.4 (MANE Select); coding-DNA position 5387, G replaced by A.
Protein change: p.Arg1796Gln; replaces arginine 1796 with glutamine.
Molecular consequence: missense variant.
Genome position (GRCh38, 1-based): chr14:23,415,167, C>T on the plus strand (G>A on the coding strand, the complement: MYH7 is on the minus strand). VCF-style: chr14-23415167-C-T. GRCh37 (hg19) VCF-style: chr14-23884376-C-T.
Other names: c.5387G>A (NM_000257.2, NM_000257.3); short protein forms R1796Q.
Identifiers: ClinVar variation 1402683 (VCV001402683.12), dbSNP rs1433063251, ClinGen allele CA389035656.

ClinVar aggregate classification (germline): Uncertain significance. Review status: criteria provided, multiple submitters, no conflicts (2 of 4 stars). 6 submissions from 6 submitters: Uncertain significance (6). Last evaluated 2026-02-23.

Conditions:
Hypertrophic cardiomyopathy. Also called: HYPERTROPHIC MYOCARDIOPATHY. Identifiers: Orphanet 217569, MedGen C0007194, MeSH D002312, MONDO:0005045, HP:0001639.
Cardiovascular phenotype. Identifiers: MedGen CN230736.
Cardiomyopathy (CMYO). Also called: Cardiomyopathies. Identifiers: Orphanet 167848, MedGen C0878544, MONDO:0004994, HP:0001638. Inheritance: Various modes of inheritance.

Allele frequency attached by ClinVar (database versions not stated): TOPMed below 0.00001; gnomAD 0.00001; gnomAD exomes 0.00001.
gnomAD v4.1: 11 of 1,614,106 alleles (0.00068%); highest among the groups gnomAD compares: East Asian, 0.0089%; no homozygotes.

Submissions (6):

Ambry Genetics
Classification: Uncertain significance for Cardiovascular phenotype. Last evaluated: 2026-02-23. Review status: criteria provided, single submitter. Criteria: Ambry Variant Classification Scheme 2023. Collection method: clinical testing. Allele origin: germline.
Comment: The p.R1796Q variant (also known as c.5387G>A), located in coding exon 35 of the MYH7 gene, results from a G to A substitution at nucleotide position 5387. The arginine at codon 1796 is replaced by glutamine, an amino acid with highly similar properties. This amino acid position is highly conserved in available vertebrate species. In addition, this alteration is predicted to be deleterious by in silico analysis. Based on the available evidence, the clinical significance of this variant remains unclear.

Labcorp Genetics (formerly Invitae), Labcorp
Classification: Uncertain significance for Hypertrophic cardiomyopathy. Last evaluated: 2025-10-09. Review status: criteria provided, single submitter. Criteria: Invitae Variant Classification Sherloc (09022015). Collection method: clinical testing. Allele origin: germline.
Comment: This sequence change replaces arginine, which is basic and polar, with glutamine, which is neutral and polar, at codon 1796 of the MYH7 protein (p.Arg1796Gln). This variant is present in population databases (no rsID available, gnomAD 0.003%). This variant has not been reported in the literature in individuals affected with MYH7-related conditions. ClinVar contains an entry for this variant (Variation ID: 1402683). Invitae Evidence Modeling of protein sequence and biophysical properties (such as structural, functional, and spatial information, amino acid conservation, physicochemical variation, residue mobility, and thermodynamic stability) indicates that this missense variant is expected to disrupt MYH7 protein function with a positive predictive value of 95%. In summary, the available evidence is currently insufficient to determine the role of this variant in disease. Therefore, it has been classified as a Variant of Uncertain Significance.

Molecular Diagnostic Laboratory for Inherited Cardiovascular Disease, Montreal Heart Institute
Classification: Uncertain significance for Cardiovascular phenotype. Last evaluated: 2025-04-09. Review status: criteria provided, single submitter. Criteria: ACMG Guidelines, 2015. Collection method: clinical testing. Allele origin: germline. Affected: yes.

All of Us Research Program, National Institutes of Health
Classification: Uncertain significance for Cardiomyopathy. Last evaluated: 2024-04-25. Review status: criteria provided, single submitter. Criteria: ACMG Guidelines, 2015. Collection method: clinical testing. Allele origin: germline. Inheritance: Autosomal dominant inheritance. Observed: 4 variant alleles, 4 heterozygotes.
Comment: This missense variant replaces arginine with glutamine at codon 1796 of the MYH7 protein. Computational prediction suggests that this variant may have deleterious impact on protein structure and function (internally defined REVEL score threshold >= 0.7, PMID: 27666373). To our knowledge, functional studies have not been reported for this variant. This variant has not been reported in individuals affected with MYH7-related disorders in the literature. This variant has been identified in 2/251486 chromosomes in the general population by the Genome Aggregation Database (gnomAD). The available evidence is insufficient to determine the role of this variant in disease conclusively. Therefore, this variant is classified as a Variant of Uncertain Significance.

This study involves interpretation of variants in research participants for the purpose of population health screening. Participant phenotype was not available at the time of variant classification. Additional details can be found in publication PMID: 35346344, PMCID: PMC8962531

Blueprint Genetics
Classification: Uncertain significance. Last evaluated: 2023-09-06. Review status: criteria provided, single submitter. Criteria: ACMG Guidelines, 2015. Collection method: clinical testing. Allele origin: germline.

CHEO Genetics Diagnostic Laboratory, Children's Hospital of Eastern Ontario
Classification: Uncertain significance for Cardiomyopathy. Last evaluated: 2023-03-17. Review status: criteria provided, single submitter. Criteria: ACMG Guidelines, 2015. Collection method: clinical testing. Allele origin: germline.